The following is an entry in ClinVar:

NM_014832.5(TBC1D4):c.1587C>T (p.His529=)

Gene: TBC1D4 (TBC1 domain family member 4; minus strand). Cytogenetic location: 13q22.2.
Variant type: single nucleotide variant.
Coding change: c.1587C>T on transcript NM_014832.5 (MANE Select); coding-DNA position 1587, C replaced by T.
Protein change: p.His529=; no amino-acid change (histidine 529 retained).
Molecular consequence: synonymous variant.
Genome position (GRCh38, 1-based): chr13:75,341,149, G>A on the plus strand (C>T on the coding strand, the complement: TBC1D4 is on the minus strand). VCF-style: chr13-75341149-G-A. GRCh37 (hg19) VCF-style: chr13-75915285-G-A.
Other names: c.1587C>T, p.His529= (NM_001286658.2, NM_001286659.2).
Identifiers: ClinVar variation 130542 (VCV000130542.11), dbSNP rs61737964, ClinGen allele CA214704.

ClinVar aggregate classification (germline): Benign. Review status: criteria provided, multiple submitters, no conflicts (2 of 4 stars). 4 submissions from 4 submitters: Benign (2). 2 of the submissions do not count toward it. Last evaluated 2018-06-26.

Conditions:
TBC1D4-related disorder. Also called: TBC1D4-related condition.

Allele frequency attached by ClinVar (database versions not stated): gnomAD exomes 0.00077 and 0.00199; ExAC 0.00246; gnomAD 0.00812 and 0.00867; ESP Exome Variant Server 0.00839; 1000 Genomes Project 0.00859; TOPMed 0.00899; 1000 Genomes Project 30x 0.00921.
gnomAD v4.1: 2,389 of 1,613,164 alleles (0.15%); highest among the groups gnomAD compares: African/African-American, 2.8%; 32 homozygotes.

Submissions (4):

Labcorp Genetics (formerly Invitae), Labcorp
Classification: Benign. Last evaluated: 2018-06-26. Review status: criteria provided, single submitter. Criteria: Invitae Variant Classification Sherloc (09022015). Collection method: clinical testing. Allele origin: germline.

Breakthrough Genomics
Classification: Benign. Review status: criteria provided, single submitter. Criteria: ACMG Guidelines, 2015. Collection method: not provided. Allele origin: germline. Inheritance: Unknown mechanism. Affected: yes.

PreventionGenetics, part of Exact Sciences
Classification: Benign for TBC1D4-related condition. Last evaluated: 2024-06-13. Review status: no assertion criteria provided. Collection method: clinical testing. Allele origin: germline. Not counted in ClinVar's aggregate classification.
Comment: This variant is classified as benign based on ACMG/AMP sequence variant interpretation guidelines (Richards et al. 2015 PMID: 25741868, with internal and published modifications).

Genetic Services Laboratory, University of Chicago
Classification: Likely benign for AllHighlyPenetrant. Review status: no assertion criteria provided. Collection method: clinical testing. Allele origin: germline. Inheritance: Autosomal dominant inheritance. Not counted in ClinVar's aggregate classification.
Comment: Likely benign based on allele frequency in 1000 Genomes Project or ESP global frequency and its presence in a patient with a rare or unrelated disease phenotype. NOT Sanger confirmed.